The following is an entry in ClinVar:

NM_001077525.3(MTMR14):c.308+17C>G

Gene: MTMR14 (myotubularin related protein 14; plus strand). Cytogenetic location: 3p25.3.
Variant type: single nucleotide variant.
Coding change: c.308+17C>G on transcript NM_001077525.3 (MANE Select); 17 bases into the intron after coding-DNA position 308, C replaced by G.
Molecular consequence: intron variant.
Genome position (GRCh38, 1-based): chr3:9,653,786, C>G. VCF-style: chr3-9653786-C-G. GRCh37 (hg19) VCF-style: chr3-9695470-C-G.
Other names: c.377+17C>G (NM_001400518.1, NM_001400521.1, NM_001400526.1); c.-259+17C>G (NM_001400542.1, NM_001400534.1, NM_001400541.1 and 3 more transcripts); c.308+17C>G (NM_001077526.3, NM_022485.5, NM_001400520.1 and 9 more transcripts); c.-408+17C>G (NM_001400547.1); c.-332+17C>G (NM_001400548.1); c.-198+17C>G (NM_001400533.1, NM_001400539.1, NM_001400545.1); c.-271+17C>G (NM_001400544.1); c.-226+17C>G (NM_001400540.1); and 4 more.
Identifiers: ClinVar variation 2911716 (VCV002911716.3), dbSNP rs370205240, ClinGen allele CA2240220.

ClinVar aggregate classification (germline): Uncertain significance (1 of 4 stars; one submission).

gnomAD v4.1: 34 of 1,613,888 alleles (0.0021%); highest among the groups gnomAD compares: Non-Finnish European, 0.0022%; no homozygotes.

Submission:

Labcorp Genetics (formerly Invitae), Labcorp
Classification: Uncertain significance. Last evaluated: 2023-08-16. Review status: criteria provided, single submitter. Criteria: Invitae Variant Classification Sherloc (09022015). Collection method: clinical testing. Allele origin: germline.
Comment: In summary, the available evidence is currently insufficient to determine the role of this variant in disease. Therefore, it has been classified as a Variant of Uncertain Significance. Algorithms developed to predict the effect of sequence changes on RNA splicing suggest that this variant may create or strengthen a splice site. This sequence change falls in intron 2 of the MTMR14 gene. It does not directly change the encoded amino acid sequence of the MTMR14 protein. This variant is present in population databases (rs370205240, gnomAD 0.006%). This variant has not been reported in the literature in individuals affected with MTMR14-related conditions.